The following is an entry in ClinVar:

ClinVar aggregate classification (germline): Pathogenic (1 of 4 stars; one submission).

Conditions:
Fanconi anemia (FA). Also called: Fanconi's anemia. Identifiers: Orphanet 84, MedGen C0015625, MeSH D005199, MONDO:0019391.

Submission:

Labcorp Genetics (formerly Invitae), Labcorp
Classification: Pathogenic for Fanconi anemia. Last evaluated: 2023-05-23. Review status: criteria provided, single submitter. Criteria: Invitae Variant Classification Sherloc (09022015). Collection method: clinical testing. Allele origin: unknown.
Comment: This variant is a gross deletion of the genomic region encompassing exon(s) 4-7 of the FANCA gene. This variant would be expected to be in-frame, preserving the integrity of the reading frame. A similar copy number variant has been observed in individuals with clinical features of Fanconi anemia (PMID: 26799702, 29098742, 31558676). The region of the FANCA gene that includes exon(s) 6-7 has been determined to be clinically significant (PMID: 15059067, 16015582, 24584348, 26841305, 29098742, 29797310). Therefore, deletions that encompass that region are likely to be disease-causing. For these reasons, this variant has been classified as Pathogenic.

Literature cited by the submitters: PubMed 26799702; PubMed 29098742; PubMed 31558676; PubMed 15059067; PubMed 16015582; PubMed 24584348; PubMed 26841305; PubMed 29797310.

NC_000016.9:g.(?_89871672)_(89880557_?)del

Gene: FANCA (FA complementation group A; minus strand). Cytogenetic location: 16q24.3.
Variant type: Deletion.
Identifiers: ClinVar variation 3243281 (VCV003243281.1).